The following is an entry in ClinVar:

ClinVar aggregate classification (germline): Benign. Review status: criteria provided, single submitter (1 of 4 stars). 2 submissions from 2 submitters: Benign (1). 1 of the submissions does not count toward it. Last evaluated 2019-07-25.

Conditions:
GDF9-related disorder. Also called: GDF9-related condition.

Allele frequency attached by ClinVar (database versions not stated): gnomAD 0.00052 and 0.00080; gnomAD exomes 0.00084 and 0.00177; TOPMed 0.00130; ExAC 0.00188; 1000 Genomes Project 30x 0.00390; 1000 Genomes Project 0.00439.
gnomAD v4.1: 1,364 of 1,614,170 alleles (0.085%); highest among the groups gnomAD compares: East Asian, 2.7%; 18 homozygotes.

Submissions (2):

GeneDx
Classification: Benign. Last evaluated: 2019-07-25. Review status: criteria provided, single submitter. Criteria: GeneDx Variant Classification Process June 2021. Collection method: clinical testing. Allele origin: germline. Affected: yes.
Comment: This variant is associated with the following publications: (PMID: 29544636, 20705511, 23851219, 19438907, 25954833)

PreventionGenetics, part of Exact Sciences
Classification: Benign for GDF9-related condition. Last evaluated: 2019-06-14. Review status: no assertion criteria provided. Collection method: clinical testing. Allele origin: germline. Not counted in ClinVar's aggregate classification.
Comment: This variant is classified as benign based on ACMG/AMP sequence variant interpretation guidelines (Richards et al. 2015 PMID: 25741868, with internal and published modifications).

NM_005260.7(GDF9):c.169G>T (p.Asp57Tyr)

Gene: GDF9 (growth differentiation factor 9; minus strand). Cytogenetic location: 5q31.1.
Variant type: single nucleotide variant.
Coding change: c.169G>T on transcript NM_005260.7 (MANE Select); coding-DNA position 169, G replaced by T.
Protein change: p.Asp57Tyr; replaces aspartic acid 57 with tyrosine.
Molecular consequence: missense variant. On other transcripts: 5 prime UTR variant (3), intron variant (2).
Genome position (GRCh38, 1-based): chr5:132,864,365, C>A on the plus strand (G>T on the coding strand, the complement: GDF9 is on the minus strand). VCF-style: chr5-132864365-C-A. GRCh37 (hg19) VCF-style: chr5-132200057-C-A.
Other names: c.-96G>T (NM_001288825.4, NM_001288827.3, NM_001288828.3); c.-31-65G>T (NM_001288824.4); c.-44-52G>T (NM_001288826.3); c.169G>T (NM_005260.5); short protein forms D57Y.
Identifiers: ClinVar variation 1251291 (VCV001251291.4), dbSNP rs138136756, ClinGen allele CA3408358.